The following is an entry in ClinVar:

ClinVar aggregate classification (germline): Uncertain significance. Review status: criteria provided, multiple submitters, no conflicts (2 of 4 stars). 2 submissions from 2 submitters: Uncertain significance (2). Last evaluated 2022-12-19.

Conditions:
Inborn genetic diseases. Identifiers: MedGen C0950123, MeSH D030342.

Allele frequency attached by ClinVar (database versions not stated): ExAC 0.00007; gnomAD 0.00007; gnomAD exomes 0.00009; TOPMed 0.00009; ESP Exome Variant Server 0.00015.
gnomAD v4.1: 147 of 1,613,286 alleles (0.0091%); highest among the groups gnomAD compares: Non-Finnish European, 0.012%; no homozygotes.

Submissions (2):

Ambry Genetics
Classification: Uncertain significance for Inborn genetic diseases. Last evaluated: 2022-12-19. Review status: criteria provided, single submitter. Criteria: Ambry Variant Classification Scheme 2023. Collection method: clinical testing. Allele origin: germline.

Labcorp Genetics (formerly Invitae), Labcorp
Classification: Uncertain significance. Last evaluated: 2022-05-25. Review status: criteria provided, single submitter. Criteria: Invitae Variant Classification Sherloc (09022015). Collection method: clinical testing. Allele origin: germline.
Comment: This sequence change replaces arginine, which is basic and polar, with serine, which is neutral and polar, at codon 239 of the DONSON protein (p.Arg239Ser). This variant is present in population databases (rs201817852, gnomAD 0.01%). This variant has not been reported in the literature in individuals affected with DONSON-related conditions. Algorithms developed to predict the effect of missense changes on protein structure and function are either unavailable or do not agree on the potential impact of this missense change (SIFT: "Deleterious"; PolyPhen-2: "Benign"; Align-GVGD: "Class C15"). In summary, the available evidence is currently insufficient to determine the role of this variant in disease. Therefore, it has been classified as a Variant of Uncertain Significance.

NM_017613.4(DONSON):c.717A>C (p.Arg239Ser)

Gene: DONSON (DNA replication fork stabilization factor DONSON; minus strand). Cytogenetic location: 21q22.11.
Variant type: single nucleotide variant.
Coding change: c.717A>C on transcript NM_017613.4 (MANE Select); coding-DNA position 717, A replaced by C.
Protein change: p.Arg239Ser; replaces arginine 239 with serine.
Molecular consequence: missense variant.
Genome position (GRCh38, 1-based): chr21:33,584,658, T>G on the plus strand (A>C on the coding strand, the complement: DONSON is on the minus strand). VCF-style: chr21-33584658-T-G. GRCh37 (hg19) VCF-style: chr21-34956964-T-G.
Other names: short protein forms R239S.
Identifiers: ClinVar variation 1984289 (VCV001984289.2), dbSNP rs201817852, ClinGen allele CA10010529.